The following is an entry in ClinVar:

ClinVar aggregate classification (germline): Uncertain significance (1 of 4 stars; one submission).

Allele frequency attached by ClinVar (database versions not stated): gnomAD exomes below 0.00001.

Submission:

GeneDx
Classification: Uncertain significance. Last evaluated: 2019-10-29. Review status: criteria provided, single submitter. Criteria: GeneDx Variant Classification Process June 2021. Collection method: clinical testing. Allele origin: germline. Affected: yes.
Comment: Not observed in large population cohorts (Lek et al., 2016); In silico analysis, which includes protein predictors and evolutionary conservation, supports that this variant does not alter protein structure/function; However, in silico analysis, which includes splice predictors supports a deleterious effect. In the absence of RNA/functional studies, the actual effect of this sequence change is unknown.; Has not been previously published as pathogenic or benign to our knowledge

NM_020442.6(VARS2):c.1556G>C (p.Gly519Ala)

Gene: VARS2 (valyl-tRNA synthetase 2, mitochondrial; plus strand). Cytogenetic location: 6p21.33.
Variant type: single nucleotide variant.
Coding change: c.1556G>C on transcript NM_020442.6 (MANE Select); coding-DNA position 1556, G replaced by C.
Protein change: p.Gly519Ala; replaces glycine 519 with alanine.
Molecular consequence: missense variant.
Genome position (GRCh38, 1-based): chr6:30,921,141, G>C. VCF-style: chr6-30921141-G-C. GRCh37 (hg19) VCF-style: chr6-30888918-G-C.
Other names: c.1136G>C, p.Gly379Ala (NM_001167733.3); c.1646G>C, p.Gly549Ala (NM_001167734.2); short protein forms G379A, G519A, G549A.
Identifiers: ClinVar variation 1309138 (VCV001309138.2), dbSNP rs1220664580, ClinGen allele CA363173529.
Genomic context (GRCh38, chr6:30,921,141, plus strand): 5'-CCCTGGAGCTCAGTCCCTCCTTCCACCAGAAGAACTGGCAGCACTGGTTTTCCCATATTG[G>C]GTAAGGGTAGGGTAAGGGGAGCTCTTGTGGAGATGGGGAGGGGGGACTGACTGGTTATTC-3'
Protein context (NP_065175.4, residues 509-529): KNWQHWFSHI[Gly519Ala]DWCVSRQLWW